The following is an entry in ClinVar:

NM_001999.4(FBN2):c.3456G>A (p.Met1152Ile)

Gene: FBN2 (fibrillin 2; minus strand). Cytogenetic location: 5q23.3.
Variant type: single nucleotide variant.
Coding change: c.3456G>A on transcript NM_001999.4 (MANE Select); coding-DNA position 3456, G replaced by A.
Protein change: p.Met1152Ile; replaces methionine 1152 with isoleucine.
Molecular consequence: missense variant.
Genome position (GRCh38, 1-based): chr5:128,338,949, C>T on the plus strand (G>A on the coding strand, the complement: FBN2 is on the minus strand). VCF-style: chr5-128338949-C-T. GRCh37 (hg19) VCF-style: chr5-127674641-C-T.
Other names: short protein forms M1152I.
Identifiers: ClinVar variation 213309 (VCV000213309.13), dbSNP rs863223565, ClinGen allele CA325155.

ClinVar aggregate classification (germline): Conflicting classifications of pathogenicity. Review status: criteria provided, conflicting classifications (1 of 4 stars). 2 submissions from 2 submitters: Uncertain significance (1); Likely benign (1). Last evaluated 2023-01-25.

Conditions:
Congenital contractural arachnodactyly (CCA). Also called: Beals-Hecht syndrome; BEALS SYNDROME; Arthrogryposis, distal, type 9. Identifiers: Orphanet 115, MedGen C0220668, MONDO:0007363, OMIM 121050.

Allele frequency attached by ClinVar (database versions not stated): gnomAD exomes below 0.00001.

Submissions (2):

GeneDx
Classification: Uncertain significance. Last evaluated: 2023-01-25. Review status: criteria provided, single submitter. Criteria: GeneDx Variant Classification Process June 2021. Collection method: clinical testing. Allele origin: germline. Affected: yes.
Comment: Has not been previously published as pathogenic or benign to our knowledge; Not observed at significant frequency in large population cohorts (gnomAD); In silico analysis supports that this missense variant has a deleterious effect on protein structure/function; Although located in a calcium-binding EGF-like domain of the FBN2 gene, it does not substitute or introduce a cysteine residue (Callewaert et al., 2009; Frederic et al., 2009); This variant is associated with the following publications: (PMID: 19006240, 18767143)

Labcorp Genetics (formerly Invitae), Labcorp
Classification: Likely benign for Congenital contractural arachnodactyly. Last evaluated: 2022-04-13. Review status: criteria provided, single submitter. Criteria: Invitae Variant Classification Sherloc (09022015). Collection method: clinical testing. Allele origin: germline.